The following is an entry in ClinVar:

NM_006009.4(TUBA1A):c.859T>A (p.Ser287Thr)

Gene: TUBA1A (tubulin alpha 1a; minus strand). Cytogenetic location: 12q13.12.
Variant type: single nucleotide variant.
Coding change: c.859T>A on transcript NM_006009.4 (MANE Select); coding-DNA position 859, T replaced by A.
Protein change: p.Ser287Thr; replaces serine 287 with threonine.
Molecular consequence: missense variant.
Genome position (GRCh38, 1-based): chr12:49,185,507, A>T on the plus strand (T>A on the coding strand, the complement: TUBA1A is on the minus strand). VCF-style: chr12-49185507-A-T. GRCh37 (hg19) VCF-style: chr12-49579290-A-T.
Other names: c.859T>A, p.Ser287Thr (NM_001270399.2); c.754T>A, p.Ser252Thr (NM_001270400.2); c.859T>A (NM_001270399.1); short protein forms S252T, S287T.
Identifiers: ClinVar variation 1256162 (VCV001256162.7), dbSNP rs150978489, ClinGen allele CA6550222.
Genomic context (GRCh38, chr12:49,185,507, plus strand): 5'-GGTCACATTTCACCATCTGGTTGGCTGGCTCAAAGCAAGCATTGGTGATCTCTGCTACAG[A>T]AAGCTGTTCATGGTAGGCTTTCTCAGCAGAGATGACAGGGGCATATGTGGCCAGAGGGAA-3'
Protein context (NP_006000.2, residues 277-297): SAEKAYHEQL[Ser287Thr]VAEITNACFE

ClinVar aggregate classification (germline): Conflicting classifications of pathogenicity. Review status: criteria provided, conflicting classifications (1 of 4 stars). 6 submissions from 6 submitters: Uncertain significance (5); Likely benign (1). Last evaluated 2024-11-21.

Conditions:
Lissencephaly due to TUBA1A mutation (CDCBM16). Also called: Lissencephaly 3; CORTICAL DYSPLASIA, COMPLEX, WITH OTHER BRAIN MALFORMATIONS 16. Identifiers: Orphanet 171680, MedGen C4305153, MONDO:0012703, OMIM 611603.

Allele frequency attached by ClinVar (database versions not stated): gnomAD 0.00002; gnomAD exomes 0.00004; ExAC 0.00024.

Submissions (6):

Blueprint Genetics
Classification: Likely benign. Last evaluated: 2024-11-21. Review status: criteria provided, single submitter. Criteria: ACMG Guidelines, 2015. Collection method: clinical testing. Allele origin: germline.

Labcorp Genetics (formerly Invitae), Labcorp
Classification: Uncertain significance. Last evaluated: 2024-09-04. Review status: criteria provided, single submitter. Criteria: Invitae Variant Classification Sherloc (09022015). Collection method: clinical testing. Allele origin: germline.
Comment: This sequence change replaces serine, which is neutral and polar, with threonine, which is neutral and polar, at codon 287 of the TUBA1A protein (p.Ser287Thr). The frequency data for this variant in the population databases is considered unreliable, as metrics indicate poor data quality at this position in the gnomAD database. This variant has not been reported in the literature in individuals affected with TUBA1A-related conditions. ClinVar contains an entry for this variant (Variation ID: 1256162). Invitae Evidence Modeling of protein sequence and biophysical properties (such as structural, functional, and spatial information, amino acid conservation, physicochemical variation, residue mobility, and thermodynamic stability) indicates that this missense variant is not expected to disrupt TUBA1A protein function with a negative predictive value of 80%. In summary, the available evidence is currently insufficient to determine the role of this variant in disease. Therefore, it has been classified as a Variant of Uncertain Significance.

Fulgent Genetics
Classification: Uncertain significance for Lissencephaly due to TUBA1A mutation. Last evaluated: 2021-11-11. Review status: criteria provided, single submitter. Criteria: ACMG Guidelines, 2015. Collection method: clinical testing. Allele origin: unknown.

Athena Diagnostics
Classification: Uncertain significance. Last evaluated: 2021-02-19. Review status: criteria provided, single submitter. Criteria: Athena Diagnostics criteria. Collection method: clinical testing. Allele origin: unknown.

Breakthrough Genomics
Classification: Uncertain significance. Review status: criteria provided, single submitter. Criteria: ACMG Guidelines, 2015. Collection method: not provided. Allele origin: germline. Inheritance: Autosomal dominant inheritance. Affected: yes.

Neuberg Centre For Genomic Medicine, NCGM
Classification: Uncertain significance for Lissencephaly due to TUBA1A mutation. Review status: criteria provided, single submitter. Criteria: ACMG Guidelines, 2015. Collection method: clinical testing. Allele origin: germline. Affected: yes.
Comment: The missense variant c.859T>A(p.Ser287Thr) in TUBA1A gene has not been reported previously as a pathogenic variant nor as a benign variant, to our knowledge. The variant is reported with the allele frequency (0.004%) in the gnomad and novel in 1000 genome database. The amino acid Serine at position 287 is changed to a Threonine changing protein sequence and it might alter its composition and physico-chemical properties. In silico tools predict the variant to be tolerated. The residue is conserved across species. For these reasons, this variant has been classified as Uncertain Significance.